The following is an entry in ClinVar:

ClinVar aggregate classification (germline): Conflicting classifications of pathogenicity. Review status: criteria provided, conflicting classifications (1 of 4 stars). 9 submissions from 9 submitters: Uncertain significance (1); Likely benign (6). 2 of the submissions do not count toward it. Last evaluated 2026-01-31.

Conditions:
LAMC2-related disorder. Also called: LAMC2-related condition.
Amelogenesis imperfecta type 1. Identifiers: Orphanet 100031, MedGen C0399367, MONDO:0015047.
Junctional epidermolysis bullosa. Identifiers: Orphanet 305, MedGen C0079301, MONDO:0017612.

Allele frequency attached by ClinVar (database versions not stated): 1000 Genomes Project 0.00100; gnomAD exomes 0.00212 and 0.00354; gnomAD 0.00261 and 0.00250; 1000 Genomes Project 30x 0.00125; ESP Exome Variant Server 0.00231; ExAC 0.00233; TOPMed 0.00234.
gnomAD v4.1: 5,482 of 1,612,530 alleles (0.34%); highest among the groups gnomAD compares: Non-Finnish European, 0.43%; 12 homozygotes.

Submissions (9):

Labcorp Genetics (formerly Invitae), Labcorp
Classification: Likely benign. Last evaluated: 2026-01-31. Review status: criteria provided, single submitter. Criteria: Invitae Variant Classification Sherloc (09022015). Collection method: clinical testing. Allele origin: germline.

Blueprint Genetics
Classification: Likely benign. Last evaluated: 2024-11-19. Review status: criteria provided, single submitter. Criteria: ACMG Guidelines, 2015. Collection method: clinical testing. Allele origin: germline.

Molecular Genetics, Royal Melbourne Hospital
Classification: Likely benign for Junctional epidermolysis bullosa. Last evaluated: 2024-01-05. Review status: criteria provided, single submitter. Criteria: ACMG Guidelines, 2015. Collection method: clinical testing. Allele origin: germline. Inheritance: Autosomal recessive inheritance.

Reference Center For Rare Oral And Dental Diseases, CRMR O-Rares, Hôpitaux Universitaires De Strasbourg
Classification: Uncertain significance for Amelogenesis imperfecta type 1. Last evaluated: 2023-03-01. Review status: criteria provided, single submitter. Criteria: ACMG Guidelines, 2015. Collection method: clinical testing. Allele origin: maternal. Affected: yes.

Illumina Laboratory Services, Illumina
Classification: Likely benign for Junctional epidermolysis bullosa. Last evaluated: 2018-01-13. Review status: criteria provided, single submitter. Criteria: ICSL Variant Classification Criteria 13 December 2019. Collection method: clinical testing. Allele origin: germline.
Comment: This variant was observed in the ICSL laboratory as part of a predisposition screen in an ostensibly healthy population. It had not been previously curated by ICSL or reported in the Human Gene Mutation Database (HGMD: prior to June 1st, 2018), and was therefore a candidate for classification through an automated scoring system. Utilizing variant allele frequency, disease prevalence and penetrance estimates, and inheritance mode, an automated score was calculated to assess if this variant is too frequent to cause the disease. Based on the score and internal cut-off values, a variant classified as likely benign is not then subjected to further curation. The score for this variant resulted in a classification of likely benign for this disease.

Eurofins Ntd Llc (ga)
Classification: Likely benign. Last evaluated: 2016-08-22. Review status: criteria provided, single submitter. Criteria: EGL Classification Definitions 2015. Collection method: clinical testing. Allele origin: germline. Observed: 1 variant allele, 1 heterozygote.

Breakthrough Genomics
Classification: Likely benign. Review status: criteria provided, single submitter. Criteria: ACMG Guidelines, 2015. Collection method: not provided. Allele origin: germline. Inheritance: Autosomal recessive inheritance. Affected: yes.

PreventionGenetics, part of Exact Sciences
Classification: Likely benign for LAMC2-related condition. Last evaluated: 2024-03-12. Review status: no assertion criteria provided. Collection method: clinical testing. Allele origin: germline. Not counted in ClinVar's aggregate classification.
Comment: This variant is classified as likely benign based on ACMG/AMP sequence variant interpretation guidelines (Richards et al. 2015 PMID: 25741868, with internal and published modifications).

Department of Pathology and Laboratory Medicine, Sinai Health System
Classification: Uncertain significance. Review status: no assertion criteria provided. Collection method: clinical testing. Allele origin: unknown. Affected: yes. Study: The Canadian Open Genetics Repository (COGR). Not counted in ClinVar's aggregate classification.
Comment: The LAMC2 p.Arg165Cys variant was not identified in the literature but was identified in dbSNP (ID: rs142335339), ClinVar (classified as likely benign by EGL genetics and Invitae) and LOVD 3.0 (classified as a variant of unknown significance by VKGL-NL). The variant was identified in control databases in 608 of 278704 chromosomes at a frequency of 0.002182 increasing the likelihood this could be a low frequency benign variant (Genome Aggregation Database March 6, 2019, v2.1.1). The variant was observed in the following populations: European (non-Finnish) in 480 of 125956 chromosomes (freq: 0.003811), Other in 18 of 7128 chromosomes (freq: 0.002525), Latino in 63 of 35294 chromosomes (freq: 0.001785), African in 25 of 24782 chromosomes (freq: 0.001009), European (Finnish) in 20 of 24942 chromosomes (freq: 0.000802), Ashkenazi Jewish in 1 of 10264 chromosomes (freq: 0.000097) and South Asian in 1 of 30480 chromosomes (freq: 0.000033), but was not observed in the East Asian population. The p.Arg165 residue is conserved in mammals but not in more distantly related organisms, and computational analyses (PolyPhen-2, SIFT, AlignGVGD, BLOSUM, MutationTaster) suggest that the variant may impact the protein; however, this information is not predictive enough to assume pathogenicity. The variant occurs outside of the splicing consensus sequence and in silico or computational prediction software programs (SpliceSiteFinder, MaxEntScan, NNSPLICE, GeneSplicer) do not predict a difference in splicing. In summary, based on the above information the clinical significance of this variant cannot be determined with certainty at this time. This variant is classified as a variant of uncertain significance.

NM_005562.3(LAMC2):c.493C>T (p.Arg165Cys)

Gene: LAMC2 (laminin subunit gamma 2; plus strand). Cytogenetic location: 1q25.3.
Variant type: single nucleotide variant.
Coding change: c.493C>T on transcript NM_005562.3 (MANE Select); coding-DNA position 493, C replaced by T.
Protein change: p.Arg165Cys; replaces arginine 165 with cysteine.
Molecular consequence: missense variant.
Genome position (GRCh38, 1-based): chr1:183,218,478, C>T. VCF-style: chr1-183218478-C-T. GRCh37 (hg19) VCF-style: chr1-183187613-C-T.
Other names: c.493C>T, p.Arg165Cys (NM_018891.3); short protein forms R165C.
Identifiers: ClinVar variation 290568 (VCV000290568.26), dbSNP rs142335339, ClinGen allele CA1282343.